The following is an entry in ClinVar:

NM_001844.5(COL2A1):c.3283G>A (p.Gly1095Ser)

Gene: COL2A1 (collagen type II alpha 1 chain; minus strand). Cytogenetic location: 12q13.11.
Variant type: single nucleotide variant.
Coding change: c.3283G>A on transcript NM_001844.5 (MANE Select); coding-DNA position 3283, G replaced by A.
Protein change: p.Gly1095Ser; replaces glycine 1095 with serine.
Molecular consequence: missense variant.
Genome position (GRCh38, 1-based): chr12:47,977,146, C>T on the plus strand (G>A on the coding strand, the complement: COL2A1 is on the minus strand). VCF-style: chr12-47977146-C-T. GRCh37 (hg19) VCF-style: chr12-48370929-C-T.
Other names: c.3076G>A, p.Gly1026Ser (NM_033150.3); short protein forms G1026S, G1095S.
Identifiers: ClinVar variation 4709939 (VCV004709939.1).

ClinVar aggregate classification (germline): Pathogenic (1 of 4 stars; one submission).

Submission:

Labcorp Genetics (formerly Invitae), Labcorp
Classification: Pathogenic. Last evaluated: 2025-03-06. Review status: criteria provided, single submitter. Criteria: Invitae Variant Classification Sherloc (09022015). Collection method: clinical testing. Allele origin: germline.
Comment: This sequence change replaces glycine, which is neutral and non-polar, with serine, which is neutral and polar, at codon 1095 of the COL2A1 protein (p.Gly1095Ser). This variant is not present in population databases (gnomAD no frequency). This missense change has been observed in individuals with spondyloepiphyseal dysplasia congenita (SEDC) (PMID: 7705841; internal data). This variant is also known as Gly895Ser. Invitae Evidence Modeling of protein sequence and biophysical properties (such as structural, functional, and spatial information, amino acid conservation, physicochemical variation, residue mobility, and thermodynamic stability) indicates that this missense variant is expected to disrupt COL2A1 protein function with a positive predictive value of 95%. This variant disrupts the triple helix domain of COL2A1. Glycine residues within the Gly-Xaa-Yaa repeats of the triple helix domain are required for the structure and stability of fibrillar collagens (PMID: 7695699, 8218237, 19344236). In COL2A1, variants affecting these glycine residues are significantly enriched in individuals with disease (PMID: 9016532, 17078022) compared to the general population (ExAC). For these reasons, this variant has been classified as Pathogenic.

Literature cited by the submitters: PubMed 7705841; PubMed 7695699; PubMed 8218237; PubMed 19344236; PubMed 9016532; PubMed 17078022.